The following is an entry in ClinVar:

NM_001130009.3(GEN1):c.2642A>G (p.His881Arg)

Gene: GEN1 (GEN1 Holliday junction 5' flap endonuclease; plus strand). Cytogenetic location: 2p24.2.
Variant type: single nucleotide variant.
Coding change: c.2642A>G on transcript NM_001130009.3 (MANE Select); coding-DNA position 2642, A replaced by G.
Protein change: p.His881Arg; replaces histidine 881 with arginine.
Molecular consequence: missense variant.
Genome position (GRCh38, 1-based): chr2:17,781,854, A>G. VCF-style: chr2-17781854-A-G. GRCh37 (hg19) VCF-style: chr2-17963121-A-G.
Other names: c.2642A>G, p.His881Arg (NM_182625.5); short protein forms H881R.
Identifiers: ClinVar variation 4029158 (VCV004029158.1).

ClinVar aggregate classification (germline): Uncertain significance (1 of 4 stars; one submission).

gnomAD v4.1: 2 of 1,605,124 alleles (0.00012%); highest among the groups gnomAD compares: African/African-American, 0.0013%; no homozygotes.

Submission:

Ambry Genetics
Classification: Uncertain significance. Last evaluated: 2025-03-22. Review status: criteria provided, single submitter. Criteria: Ambry Variant Classification Scheme 2023. Collection method: clinical testing. Allele origin: germline.
Comment: The p.H881R variant (also known as c.2642A>G), located in coding exon 13 of the GEN1 gene, results from an A to G substitution at nucleotide position 2642. The histidine at codon 881 is replaced by arginine, an amino acid with highly similar properties. This amino acid position is conserved. In addition, this alteration is predicted to be tolerated by in silico analysis. Based on the available evidence, the clinical significance of this variant remains unclear.